The following is an entry in ClinVar:

NM_001081.4(CUBN):c.9998C>T (p.Thr3333Met)

Gene: CUBN (cubilin; minus strand). Cytogenetic location: 10p13.
Variant type: single nucleotide variant.
Coding change: c.9998C>T on transcript NM_001081.4 (MANE Select); coding-DNA position 9998, C replaced by T.
Protein change: p.Thr3333Met; replaces threonine 3333 with methionine.
Molecular consequence: missense variant.
Genome position (GRCh38, 1-based): chr10:16,840,364, G>A on the plus strand (C>T on the coding strand, the complement: CUBN is on the minus strand). VCF-style: chr10-16840364-G-A. GRCh37 (hg19) VCF-style: chr10-16882363-G-A.
Other names: short protein forms T3333M.
Identifiers: ClinVar variation 2077093 (VCV002077093.7), dbSNP rs140637500, ClinGen allele CA5422528.
Genomic context (GRCh38, chr10:16,840,364, plus strand): 5'-ACTGCCATTCATCTTATAATTGTTACCTGCGGTGAGTCCTGAAGCTGTAAGTAATTCTGC[G>A]TGCAGTCTTGCGAGGTCAGCTGTAATGCCCACACAGTTATCTTGACCTGCTGATGCGGAG-3'
Protein context (NP_001072.2, residues 3323-3343): WALQLTSQDC[Thr3333Met]QNYLQLQDSP

ClinVar aggregate classification (germline): Uncertain significance. Review status: criteria provided, multiple submitters, no conflicts (2 of 4 stars). 3 submissions from 3 submitters: Uncertain significance (3). Last evaluated 2025-10-30.

Conditions:
Inborn genetic diseases. Identifiers: MedGen C0950123, MeSH D030342.
Imerslund-Grasbeck syndrome. Also called: Megaloblastic anemia due to inborn errors of metabolism; Imerslund-Gräsbeck syndrome; ENTEROCYTE COBALAMIN MALABSORPTION; ENTEROCYTE INTRINSIC FACTOR RECEPTOR, DEFECT OF; PERNICIOUS ANEMIA, JUVENILE, DUE TO SELECTIVE INTESTINAL MALABSORPTION OF VITAMIN B12, WITH PROTEINURIA. Identifiers: Orphanet 35858, MedGen C4551825, MONDO:0009853.

Allele frequency attached by ClinVar (database versions not stated): TOPMed 0.00007; ESP Exome Variant Server 0.00008; gnomAD 0.00009.
gnomAD v4.1: 109 of 1,613,980 alleles (0.0068%); highest among the groups gnomAD compares: Middle Eastern, 0.016%; no homozygotes.

Submissions (3):

GeneDx
Classification: Uncertain significance. Last evaluated: 2025-10-30. Review status: criteria provided, single submitter. Criteria: GeneDx Variant Classification Process June 2021. Collection method: clinical testing. Allele origin: germline.
Comment: Not observed at significant frequency in large population cohorts (gnomAD); In silico analysis suggests that this missense variant does not alter protein structure/function; Has not been previously published as pathogenic or benign to our knowledge

Ambry Genetics
Classification: Uncertain significance for Inborn genetic diseases. Last evaluated: 2025-05-04. Review status: criteria provided, single submitter. Criteria: Ambry Variant Classification Scheme 2023. Collection method: clinical testing. Allele origin: germline.

Labcorp Genetics (formerly Invitae), Labcorp
Classification: Uncertain significance for Imerslund-Grasbeck syndrome. Last evaluated: 2022-11-29. Review status: criteria provided, single submitter. Criteria: Invitae Variant Classification Sherloc (09022015). Collection method: clinical testing. Allele origin: germline.
Comment: In summary, the available evidence is currently insufficient to determine the role of this variant in disease. Therefore, it has been classified as a Variant of Uncertain Significance. Advanced modeling of protein sequence and biophysical properties (such as structural, functional, and spatial information, amino acid conservation, physicochemical variation, residue mobility, and thermodynamic stability) performed at Invitae indicates that this missense variant is not expected to disrupt CUBN protein function. This variant has not been reported in the literature in individuals affected with CUBN-related conditions. This variant is present in population databases (rs140637500, gnomAD 0.007%). This sequence change replaces threonine, which is neutral and polar, with methionine, which is neutral and non-polar, at codon 3333 of the CUBN protein (p.Thr3333Met).